The following is an entry in ClinVar:

ClinVar aggregate classification (germline): Likely pathogenic (0 of 4 stars; one submission).

Conditions:
Muscle eye brain disease (MEB). Also called: Santavuori congenital muscular dystrophy. Identifiers: Orphanet 588, Orphanet 899, MedGen C0457133, MONDO:0018939.

Submission:

Juha Muilu Group; Institute for Molecular Medicine Finland (FIMM)
Classification: Likely pathogenic for Muscle eye brain disease. Review status: no assertion criteria provided. Collection method: not provided. Allele origin: unknown.
Comment: FinDis database variant: This variant was not found or characterized by our laboratory, data were collected from public sources: see reference
ClinVar note: Converted during submission from probable-pathogenic to Likely pathogenic.

NM_017739.4(POMGNT1):c.1895+5_1895+8del

Genes: TSPAN1 (tetraspanin 1; plus strand), POMGNT1 (protein O-linked mannose N-acetylglucosaminyltransferase 1 (beta 1,2-); minus strand). Cytogenetic location: 1p34.1.
Variant type: Microsatellite.
Coding change: c.1895+5_1895+8del on transcript NM_017739.4 (MANE Select); bases 5 to 8 of the intron after coding-DNA position 1895, 4 bases deleted (GTGA; older notation c.1895+5_1895+8delGTGA).
Molecular consequence: splice donor variant. On other transcripts: intron variant (1).
Genome position (GRCh38, 1-based): chr1:46,189,450-46,189,453, TCAC deleted on the plus strand (GTGA on the coding strand, the reverse complement: POMGNT1 is on the minus strand); deleting any 4 consecutive bases within chr1:46,189,450-46,189,457 gives the same sequence; the c. name uses the placement nearest the transcript's 3' end. VCF-style (leftmost placement, unchanged base first): chr1-46189449-GTCAC-G. GRCh37 (hg19) VCF-style: chr1-46655121-GTCAC-G.
Other names: c.1895+1_1895+4delGTGA (NM_017739.3); c.1869+31_1869+34del (NM_001243766.2); c.1895+5_1895+8del (NM_001438686.1, NM_001438688.1, NM_001437653.1 and 2 more transcripts); c.1829+5_1829+8del (NM_001290129.3, NM_001438691.1, NM_001438692.1); c.1466+5_1466+8del (NM_001290130.2).
Identifiers: ClinVar variation 56594 (VCV000056594.2), dbSNP rs386834023, ClinGen allele CA263965.